The following is an entry in ClinVar:

ClinVar aggregate classification (germline): Uncertain significance (1 of 4 stars; one submission).

Conditions:
Neuroblastoma, susceptibility to, 3. Also called: ALK-Related Neuroblastic Tumor Susceptibility. Identifiers: Orphanet 635, MedGen C2751681, MONDO:0013083, OMIM 613014.

Submission:

Labcorp Genetics (formerly Invitae), Labcorp
Classification: Uncertain significance for Neuroblastoma, susceptibility to, 3. Last evaluated: 2023-11-03. Review status: criteria provided, single submitter. Criteria: Invitae Variant Classification Sherloc (09022015). Collection method: clinical testing. Allele origin: germline.
Comment: This variant results in a copy number gain of the genomic region encompassing exon(s) 5-29 of the ALK gene. This region includes the termination codon of the gene. This copy number gain extends beyond the assayed region for this gene and therefore may encompass additional genes. As the precise location of this event is unknown, it may be in tandem or it may be located elsewhere in the genome. This variant has not been reported in the literature in individuals affected with ALK-related conditions. Experimental studies and prediction algorithms are not available or were not evaluated, and the functional significance of this variant is currently unknown. In summary, the available evidence is currently insufficient to determine the role of this variant in disease. Therefore, it has been classified as a Variant of Uncertain Significance.

NC_000002.11:g.(?_29416090)_(29606735_?)dup

Gene: ALK (ALK receptor tyrosine kinase; minus strand). Cytogenetic location: 2p23.2.
Variant type: Duplication.
Identifiers: ClinVar variation 1411127 (VCV001411127.5).